The following is an entry in ClinVar:

NM_007294.4(BRCA1):c.3774G>C (p.Glu1258Asp)

Genes: BRCA1 (BRCA1 DNA repair associated; minus strand), LOC126862571 (BRD4-independent group 4 enhancer GRCh37_chr17:41243136-41244335; plus strand). Cytogenetic location: 17q21.31.
Variant type: single nucleotide variant.
Coding change: c.3774G>C on transcript NM_007294.4 (MANE Select); coding-DNA position 3774, G replaced by C.
Protein change: p.Glu1258Asp; replaces glutamic acid 1258 with aspartic acid.
Molecular consequence: missense variant. On other transcripts: intron variant (135).
Genome position (GRCh38, 1-based): chr17:43,091,757, C>G on the plus strand (G>C on the coding strand, the complement: BRCA1 is on the minus strand). VCF-style: chr17-43091757-C-G. GRCh37 (hg19) VCF-style: chr17-41243774-C-G.
Other names: c.785-725G>C (NM_001407986.1, NM_001407972.1, NM_001408397.1 and 13 more transcripts); c.665-725G>C (NM_001408441.1, NM_001408437.1, NM_001408429.1 and 12 more transcripts); c.788-725G>C (NM_001407979.1, NM_001407977.1, NM_001407982.1 and 17 more transcripts); c.647-725G>C (NM_001408410.1, NM_001408458.1, NM_001408469.1 and 11 more transcripts); c.710-725G>C (NM_001408415.1, NM_001408412.1, NM_001408409.1 and 2 more transcripts); c.578-725G>C (NM_001408483.1, NM_001408481.1, NM_001408480.1 and 9 more transcripts); c.3561G>C, p.Glu1187Asp (NM_001407571.1, NM_001407853.1, NM_001407894.1 and 9 more transcripts); c.3774G>C, p.Glu1258Asp (NM_001407581.1, NM_001407582.1, NM_001407583.1 and 30 more transcripts); and 41 more; short protein forms E1211D, E1258D, E1131D, E1147D, E1187D, E1217D, E1231D, E390D.
Identifiers: ClinVar variation 968349 (VCV000968349.13), dbSNP rs431825399, ClinGen allele CA10594422.
Genomic context (GRCh38, chr17:43,091,757, plus strand): 5'-CTTTGCCAATATTACCTGGTTACTGCAGTCATTTAAGCTATTCTTCAATGATAATAAATT[C>G]TCCTCTGTGTTCTTAGACAGACACTCGGTAGCAACGGTGCTATGCCTAGTAGACTGAGAA-3'
Protein context (NP_009225.1, residues 1248-1268): ATECLSKNTE[Glu1258Asp]NLLSLKNSLN

ClinVar aggregate classification (germline): Conflicting classifications of pathogenicity. Review status: criteria provided, conflicting classifications (1 of 4 stars). 2 submissions from 2 submitters: Uncertain significance (1); Likely benign (1). Last evaluated 2025-12-09.

Conditions:
Hereditary cancer-predisposing syndrome. Also called: Hereditary neoplastic syndrome; Neoplastic Syndromes, Hereditary; Hereditary Cancer Syndrome; Tumor predisposition. Identifiers: Orphanet 140162, MedGen C0027672, MeSH D009386, MONDO:0015356.
Hereditary breast ovarian cancer syndrome. Also called: Hereditary breast and ovarian cancer; Hereditary breast and/or ovarian cancer syndrome; Hereditary breast and ovarian cancer syndrome; Hereditary breast and ovarian cancer syndrome (HBOC); Breast and ovarian cancer; BRCA1- and BRCA2-Associated Hereditary Breast and Ovarian Cancer. Identifiers: Orphanet 145, MedGen C0677776, MeSH D061325, MONDO:0003582. Disease mechanism: loss of function.

Submissions (2):

Labcorp Genetics (formerly Invitae), Labcorp
Classification: Uncertain significance for Hereditary breast ovarian cancer syndrome. Last evaluated: 2025-12-09. Review status: criteria provided, single submitter. Criteria: Invitae Variant Classification Sherloc (09022015). Collection method: clinical testing. Allele origin: germline.
Comment: This sequence change replaces glutamic acid, which is acidic and polar, with aspartic acid, which is acidic and polar, at codon 1258 of the BRCA1 protein (p.Glu1258Asp). This variant is not present in population databases (gnomAD no frequency). This variant has not been reported in the literature in individuals affected with BRCA1-related conditions. ClinVar contains an entry for this variant (Variation ID: 968349). Invitae Evidence Modeling of protein sequence and biophysical properties (such as structural, functional, and spatial information, amino acid conservation, physicochemical variation, residue mobility, and thermodynamic stability) indicates that this missense variant is not expected to disrupt BRCA1 protein function with a negative predictive value of 80%. In summary, the available evidence is currently insufficient to determine the role of this variant in disease. Therefore, it has been classified as a Variant of Uncertain Significance.

University of Washington Department of Laboratory Medicine, University of Washington
Classification: Likely benign for Hereditary cancer-predisposing syndrome. Last evaluated: 2023-03-23. Review status: criteria provided, single submitter. Criteria: Dines et al. (Genet Med. 2020). Collection method: curation. Allele origin: germline.
Comment: Missense variant in a coldspot region where missense variants are very unlikely to be pathogenic (PMID:31911673).

BRCA1 coldspot (exon 11 using historical exon numbering). Reclassification based on statistical prior probability